The following is an entry in ClinVar:

ClinVar aggregate classification (germline): Likely benign (0 of 4 stars; one submission).

Conditions:
EP400-related disorder. Also called: EP400-related condition.

Allele frequency attached by ClinVar (database versions not stated): ExAC 0.00068.

Submission:

PreventionGenetics, part of Exact Sciences
Classification: Likely benign for EP400-related condition. Last evaluated: 2020-04-13. Review status: no assertion criteria provided. Collection method: clinical testing. Allele origin: germline.
Comment: This variant is classified as likely benign based on ACMG/AMP sequence variant interpretation guidelines (Richards et al. 2015 PMID: 25741868, with internal and published modifications).

NM_015409.5(EP400):c.102A>C (p.Pro34=)

Gene: EP400 (E1A binding protein p400; plus strand). Cytogenetic location: 12q24.33.
Variant type: single nucleotide variant.
Coding change: c.102A>C on transcript NM_015409.5 (MANE Select); coding-DNA position 102, A replaced by C.
Protein change: p.Pro34=; no amino-acid change (proline 34 retained).
Molecular consequence: synonymous variant.
Genome position (GRCh38, 1-based): chr12:131,960,721, A>C. VCF-style: chr12-131960721-A-C. GRCh37 (hg19) VCF-style: chr12-132445266-A-C.
Identifiers: ClinVar variation 3033301 (VCV003033301.2), dbSNP rs753102248, ClinGen allele CA6884431.